The following is an entry in ClinVar:

ClinVar aggregate classification (germline): Conflicting classifications of pathogenicity. Review status: criteria provided, conflicting classifications (1 of 4 stars). 14 submissions from 14 submitters: Uncertain significance (2); Benign (1); Likely benign (9). 2 of the submissions do not count toward it. Last evaluated 2026-03-05.

Conditions:
Cardiovascular phenotype. Identifiers: MedGen CN230736.
Alstrom syndrome (ALMS). Identifiers: Orphanet 64, MedGen C0268425, MONDO:0008763, OMIM 203800.

Allele frequency attached by ClinVar (database versions not stated): 1000 Genomes Project 0.00160; 1000 Genomes Project 30x 0.00187; ExAC 0.00190; ESP Exome Variant Server 0.00195; gnomAD exomes 0.00197 and 0.00289; TOPMed 0.00202; gnomAD 0.00215 and 0.00218.
gnomAD v4.1: 4,491 of 1,614,158 alleles (0.28%); highest among the groups gnomAD compares: Non-Finnish European, 0.33%; 6 homozygotes.

Submissions (14):

Women's Health and Genetics/Laboratory Corporation of America, LabCorp
Classification: Likely benign. Last evaluated: 2026-03-05. Review status: criteria provided, single submitter. Criteria: LabCorp Variant Classification Summary - May 2015. Collection method: clinical testing. Allele origin: germline.

CeGaT Center for Human Genetics Tuebingen
Classification: Likely benign. Last evaluated: 2026-03-01. Review status: criteria provided, single submitter. Criteria: CeGaT Center For Human Genetics Tuebingen Variant Classification Criteria Version 2. Collection method: clinical testing. Allele origin: germline. Affected: yes. Observed: 8 variant alleles.
Comment: ALMS1: BP4, BS2

Labcorp Genetics (formerly Invitae), Labcorp
Classification: Likely benign for Alstrom syndrome. Last evaluated: 2026-02-04. Review status: criteria provided, single submitter. Criteria: Invitae Variant Classification Sherloc (09022015). Collection method: clinical testing. Allele origin: germline.

ARUP Laboratories, Molecular Genetics and Genomics, ARUP Laboratories
Classification: Likely benign for Alstrom syndrome. Last evaluated: 2025-06-23. Review status: criteria provided, single submitter. Criteria: ARUP Molecular Germline Variant Investigation Process 2024. Collection method: clinical testing. Allele origin: germline.

Blueprint Genetics
Classification: Likely benign. Last evaluated: 2024-11-26. Review status: criteria provided, single submitter. Criteria: ACMG Guidelines, 2015. Collection method: clinical testing. Allele origin: germline.

Genome-Nilou Lab
Classification: Likely benign for Alstrom syndrome. Last evaluated: 2021-07-14. Review status: criteria provided, single submitter. Criteria: ACMG Guidelines, 2015. Collection method: clinical testing. Allele origin: germline. Affected: no.

GeneDx
Classification: Likely benign. Last evaluated: 2021-04-06. Review status: criteria provided, single submitter. Criteria: GeneDx Variant Classification Process June 2021. Collection method: clinical testing. Allele origin: germline. Affected: yes.

Ambry Genetics
Classification: Likely benign for Cardiovascular phenotype. Last evaluated: 2018-12-27. Review status: criteria provided, single submitter. Criteria: Ambry Variant Classification Scheme 2023. Collection method: clinical testing. Allele origin: germline.

Baylor Genetics
Classification: Uncertain significance for Alstrom syndrome. Last evaluated: 2018-09-20. Review status: criteria provided, single submitter. Criteria: ACMG Guidelines, 2015. Collection method: clinical testing. Allele origin: maternal. Affected: yes.
Comment: This variant was determined to be of uncertain significance according to ACMG Guidelines, 2015 [PMID:25741868].

Athena Diagnostics
Classification: Benign. Last evaluated: 2018-08-10. Review status: criteria provided, single submitter. Criteria: Athena Diagnostics Criteria. Collection method: clinical testing. Allele origin: germline.

Laboratory for Molecular Medicine, Mass General Brigham Personalized Medicine
Classification: Likely benign. Last evaluated: 2017-08-23. Review status: criteria provided, single submitter. Criteria: LMM Criteria. Collection method: clinical testing. Allele origin: germline. Observed: 1 variant allele.
Comment: p.Ser2814Ser in exon 10 of ALMS1: This variant is not expected to have clinical significance because it does not alter an amino acid residue and is not located within the splice consensus sequence. It has been identified in 0.25% (167/66098 ) of European chromosomes by the Exome Aggregation Consortium (ExAC .; dbSNP rs137932254).

Eurofins Ntd Llc (ga)
Classification: Uncertain significance. Last evaluated: 2015-06-18. Review status: criteria provided, single submitter. Criteria: EGL Classification Definitions 2015. Collection method: clinical testing. Allele origin: germline. Observed: 1 variant allele, 1 heterozygote.

Natera, Inc.
Classification: Likely benign for Alstrom syndrome. Last evaluated: 2019-10-22. Review status: no assertion criteria provided. Collection method: clinical testing. Allele origin: germline. Not counted in ClinVar's aggregate classification.

Clinical Genetics DNA and cytogenetics Diagnostics Lab, Erasmus MC, Erasmus Medical Center
Classification: Likely benign. Review status: no assertion criteria provided. Collection method: clinical testing. Allele origin: germline. Affected: yes. Study: VKGL Data-share Consensus. Not counted in ClinVar's aggregate classification.

NM_001378454.1(ALMS1):c.8445A>G (p.Ser2815=)

Gene: ALMS1 (ALMS1 centrosome and basal body associated protein; plus strand). Cytogenetic location: 2p13.1.
Variant type: single nucleotide variant.
Coding change: c.8445A>G on transcript NM_001378454.1 (MANE Select); coding-DNA position 8445, A replaced by G.
Protein change: p.Ser2815=; no amino-acid change (serine 2815 retained).
Molecular consequence: synonymous variant.
Genome position (GRCh38, 1-based): chr2:73,490,404, A>G. VCF-style: chr2-73490404-A-G. GRCh37 (hg19) VCF-style: chr2-73717531-A-G.
Other names: c.8448A>G, p.Ser2816= (NM_015120.4).
Identifiers: ClinVar variation 241013 (VCV000241013.72), dbSNP rs137932254, ClinGen allele CA1714469.